The following is an entry in ClinVar:

NM_018706.7(DHTKD1):c.1664A>C (p.His555Pro)

Gene: DHTKD1 (dehydrogenase E1 and transketolase domain containing 1; plus strand). Cytogenetic location: 10p14.
Variant type: single nucleotide variant.
Coding change: c.1664A>C on transcript NM_018706.7 (MANE Select); coding-DNA position 1664, A replaced by C.
Protein change: p.His555Pro; replaces histidine 555 with proline.
Molecular consequence: missense variant.
Genome position (GRCh38, 1-based): chr10:12,097,989, A>C. VCF-style: chr10-12097989-A-C. GRCh37 (hg19) VCF-style: chr10-12139988-A-C.
Other names: short protein forms H555P.
Identifiers: ClinVar variation 2828808 (VCV002828808.3), dbSNP rs1432183584, ClinGen allele CA376021772.

ClinVar aggregate classification (germline): Uncertain significance (1 of 4 stars; one submission).

Conditions:
2-aminoadipic 2-oxoadipic aciduria (AAKAD). Also called: ALPHA-AMINOADIPIC AND ALPHA-KETOADIPIC ACIDURIA; Aminoadipic aciduria. Identifiers: Orphanet 79154, MedGen C1859817, MONDO:0008774, OMIM 204750.

Allele frequency attached by ClinVar (database versions not stated): gnomAD exomes below 0.00001.
gnomAD v4.1: 1 of 1,602,900 alleles (0.000062%); highest among the groups gnomAD compares: Non-Finnish European, 0.000085%; no homozygotes.

Submission:

Labcorp Genetics (formerly Invitae), Labcorp
Classification: Uncertain significance for 2-aminoadipic 2-oxoadipic aciduria. Last evaluated: 2023-01-22. Review status: criteria provided, single submitter. Criteria: Invitae Variant Classification Sherloc (09022015). Collection method: clinical testing. Allele origin: germline.
Comment: This variant has not been reported in the literature in individuals affected with DHTKD1-related conditions. In summary, the available evidence is currently insufficient to determine the role of this variant in disease. Therefore, it has been classified as a Variant of Uncertain Significance. Algorithms developed to predict the effect of missense changes on protein structure and function are either unavailable or do not agree on the potential impact of this missense change (SIFT: "Tolerated"; PolyPhen-2: "Probably Damaging"; Align-GVGD: "Class C0"). This variant is not present in population databases (gnomAD no frequency). This sequence change replaces histidine, which is basic and polar, with proline, which is neutral and non-polar, at codon 555 of the DHTKD1 protein (p.His555Pro).